The following is an entry in ClinVar:

NM_000059.4(BRCA2):c.8795A>G (p.His2932Arg)

Gene: BRCA2 (BRCA2 DNA repair associated; plus strand). Cytogenetic location: 13q13.1.
Variant type: single nucleotide variant.
Coding change: c.8795A>G on transcript NM_000059.4 (MANE Select); coding-DNA position 8795, A replaced by G.
Protein change: p.His2932Arg; replaces histidine 2932 with arginine.
Molecular consequence: missense variant.
Genome position (GRCh38, 1-based): chr13:32,379,357, A>G. VCF-style: chr13-32379357-A-G. GRCh37 (hg19) VCF-style: chr13-32953494-A-G.
Other names: c.8795A>G (NM_000059.3); short protein forms H2932R.
Identifiers: ClinVar variation 1015908 (VCV001015908.16), dbSNP rs2072898238, ClinGen allele CA387755962.

ClinVar aggregate classification (germline): Conflicting classifications of pathogenicity. Review status: criteria provided, conflicting classifications (1 of 4 stars). 4 submissions from 4 submitters: Uncertain significance (3); Likely benign (1). Last evaluated 2025-03-17.

Conditions:
Hereditary cancer-predisposing syndrome. Also called: Tumor predisposition; Hereditary Cancer Syndrome; Neoplastic Syndromes, Hereditary; Hereditary neoplastic syndrome. Identifiers: Orphanet 140162, MedGen C0027672, MeSH D009386, MONDO:0015356.
Breast-ovarian cancer, familial, susceptibility to, 2 (BROVCA2). Also called: BRCA2 Hereditary Breast and Ovarian Cancer. Identifiers: Orphanet 145, MedGen C2675520, MONDO:0012933, OMIM 612555. Disease mechanism: loss of function.
Hereditary breast ovarian cancer syndrome. Also called: BRCA1- and BRCA2-Associated Hereditary Breast and Ovarian Cancer; Breast and ovarian cancer; Hereditary breast and/or ovarian cancer syndrome; Hereditary breast and ovarian cancer syndrome (HBOC); Hereditary breast and ovarian cancer syndrome; Hereditary breast and ovarian cancer. Identifiers: Orphanet 145, MedGen C0677776, MeSH D061325, MONDO:0003582. Disease mechanism: loss of function.

Submissions (4):

Ambry Genetics
Classification: Likely benign for Hereditary cancer-predisposing syndrome. Last evaluated: 2025-03-17. Review status: criteria provided, single submitter. Criteria: Ambry Variant Classification Scheme 2023. Collection method: clinical testing. Allele origin: germline.

Quest Diagnostics Nichols Institute San Juan Capistrano
Classification: Uncertain significance. Last evaluated: 2025-02-13. Review status: criteria provided, single submitter. Criteria: Quest Diagnostics criteria. Collection method: clinical testing. Allele origin: unknown.
Comment: The BRCA2 c.8795A>G (p.His2932Arg) variant has not been reported in individuals with BRCA2-related conditions in the published literature. This variant showed benign effects in saturation genome editing assays measuring DNA repair-dependent cell survival (PMIDs: 39779848 (2025), 39779857 (2025)). This variant has not been reported in large, multi-ethnic general populations (Genome Aggregation Database). Analysis of this variant using bioinformatics tools for the prediction of the effect of amino acid changes on protein structure and function yielded conflicting predictions that this variant is benign or damaging. Based on the available information, we are unable to determine the clinical significance of this variant.

Labcorp Genetics (formerly Invitae), Labcorp
Classification: Uncertain significance for Hereditary breast ovarian cancer syndrome. Last evaluated: 2023-12-16. Review status: criteria provided, single submitter. Criteria: Invitae Variant Classification Sherloc (09022015). Collection method: clinical testing. Allele origin: germline.
Comment: This sequence change replaces histidine, which is basic and polar, with arginine, which is basic and polar, at codon 2932 of the BRCA2 protein (p.His2932Arg). This variant is not present in population databases (gnomAD no frequency). This variant has not been reported in the literature in individuals affected with BRCA2-related conditions. ClinVar contains an entry for this variant (Variation ID: 1015908). Advanced modeling of protein sequence and biophysical properties (such as structural, functional, and spatial information, amino acid conservation, physicochemical variation, residue mobility, and thermodynamic stability) performed at Invitae indicates that this missense variant is not expected to disrupt BRCA2 protein function with a negative predictive value of 95%. In summary, the available evidence is currently insufficient to determine the role of this variant in disease. Therefore, it has been classified as a Variant of Uncertain Significance.

All of Us Research Program, National Institutes of Health
Classification: Uncertain significance for Breast-ovarian cancer, familial, susceptibility to, 2. Last evaluated: 2023-05-04. Review status: criteria provided, single submitter. Criteria: ACMG Guidelines, 2015. Collection method: clinical testing. Allele origin: germline. Inheritance: Autosomal dominant inheritance. Observed: 1 variant allele, 1 heterozygote.
Comment: This missense variant replaces histidine with arginine at codon 2932 of the BRCA2 protein. Computational prediction suggests that this variant may not impact protein structure and function (internally defined REVEL score threshold <= 0.5, PMID: 27666373). To our knowledge, functional studies have not been reported for this variant. This variant has not been reported in individuals affected with BRCA2-related disorders in the literature. This variant has not been identified in the general population by the Genome Aggregation Database (gnomAD). The available evidence is insufficient to determine the role of this variant in disease conclusively. Therefore, this variant is classified as a Variant of Uncertain Significance.

This study involves interpretation of variants in research participants for the purpose of population health screening. Participant phenotype was not available at the time of variant classification. Additional details can be found in publication PMID: 35346344, PMCID: PMC8962531

Literature cited by the submitters: PubMed 39779848 (cited by Ambry Genetics and Quest Diagnostics Nichols Institute San Juan Capistrano); PubMed 39779857 (cited by Ambry Genetics and Quest Diagnostics Nichols Institute San Juan Capistrano); PubMed 33471991 (cited by Quest Diagnostics Nichols Institute San Juan Capistrano).